The following is an entry in ClinVar:

ClinVar aggregate classification (germline): Conflicting classifications of pathogenicity. Review status: criteria provided, conflicting classifications (1 of 4 stars). 3 submissions from 3 submitters: Uncertain significance (1); Likely benign (1). 1 of the submissions does not count toward it. Last evaluated 2025-09-12.

Conditions:
PEPD-related disorder. Also called: PEPD-related condition.
Prolidase deficiency. Identifiers: Orphanet 742, MedGen C0268532, MONDO:0008221, OMIM 170100.

Allele frequency attached by ClinVar (database versions not stated): gnomAD exomes 0.00005 and 0.00007; ExAC 0.00006; ESP Exome Variant Server 0.00008; gnomAD 0.00009; TOPMed 0.00009; 1000 Genomes Project 30x 0.00016; 1000 Genomes Project 0.00020.
gnomAD v4.1: 111 of 1,606,598 alleles (0.0069%); highest among the groups gnomAD compares: African/African-American, 0.013%; no homozygotes.

Submissions (3):

Labcorp Genetics (formerly Invitae), Labcorp
Classification: Likely benign. Last evaluated: 2025-09-12. Review status: criteria provided, single submitter. Criteria: Invitae Variant Classification Sherloc (09022015). Collection method: clinical testing. Allele origin: germline.

Illumina Laboratory Services, Illumina
Classification: Uncertain significance for Prolidase deficiency. Last evaluated: 2018-01-12. Review status: criteria provided, single submitter. Criteria: ICSL Variant Classification Criteria 13 December 2019. Collection method: clinical testing. Allele origin: germline.

PreventionGenetics, part of Exact Sciences
Classification: Likely benign for PEPD-related condition. Last evaluated: 2023-12-21. Review status: no assertion criteria provided. Collection method: clinical testing. Allele origin: germline. Not counted in ClinVar's aggregate classification.
Comment: This variant is classified as likely benign based on ACMG/AMP sequence variant interpretation guidelines (Richards et al. 2015 PMID: 25741868, with internal and published modifications).

NM_000285.4(PEPD):c.492C>T (p.Asp164=)

Gene: PEPD (peptidase D; minus strand). Cytogenetic location: 19q13.11.
Variant type: single nucleotide variant.
Coding change: c.492C>T on transcript NM_000285.4 (MANE Select); coding-DNA position 492, C replaced by T.
Protein change: p.Asp164=; no amino-acid change (aspartic acid 164 retained).
Molecular consequence: synonymous variant.
Genome position (GRCh38, 1-based): chr19:33,490,007, G>A on the plus strand (C>T on the coding strand, the complement: PEPD is on the minus strand). VCF-style: chr19-33490007-G-A. GRCh37 (hg19) VCF-style: chr19-33980913-G-A.
Other names: c.492C>T, p.Asp164= (NM_001166056.2); c.300C>T, p.Asp100= (NM_001166057.2).
Identifiers: ClinVar variation 328815 (VCV000328815.14), dbSNP rs370105932, ClinGen allele CA9364302.